The following is an entry in ClinVar:

NM_002857.4(PEX19):c.181-5C>T

Gene: PEX19 (peroxisomal biogenesis factor 19; minus strand). Cytogenetic location: 1q23.2.
Variant type: single nucleotide variant.
Coding change: c.181-5C>T on transcript NM_002857.4 (MANE Select); 5 bases into the intron before coding-DNA position 181, C replaced by T.
Molecular consequence: intron variant.
Genome position (GRCh38, 1-based): chr1:160,283,114, G>A on the plus strand (C>T on the coding strand, the complement: PEX19 is on the minus strand). VCF-style: chr1-160283114-G-A. GRCh37 (hg19) VCF-style: chr1-160252904-G-A.
Other names: p.?; c.181-5C>T (NM_001193644.1).
Identifiers: ClinVar variation 281660 (VCV000281660.58), dbSNP rs199818690, ClinGen allele CA1197441.

ClinVar aggregate classification (germline): Conflicting classifications of pathogenicity. Review status: criteria provided, conflicting classifications (1 of 4 stars). 8 submissions from 8 submitters: Uncertain significance (2); Benign (1); Likely benign (5). Last evaluated 2026-07-01.

Conditions:
PEX19-related disorder. Also called: PEX19-related condition.
Peroxisome biogenesis disorder 12A (Zellweger). Also called: Peroxisome biogenesis disorder 12A. Identifiers: Orphanet 912, MedGen C3554002, MONDO:0013951, OMIM 614886.

Allele frequency attached by ClinVar (database versions not stated): 1000 Genomes Project 30x 0.00016; 1000 Genomes Project 0.00020; TOPMed 0.00093; gnomAD 0.00103 and 0.00109; ExAC 0.00118; ESP Exome Variant Server 0.00123.

Submissions (8):

CeGaT Center for Human Genetics Tuebingen
Classification: Likely benign. Last evaluated: 2026-07-01. Review status: criteria provided, single submitter. Criteria: CeGaT Center For Human Genetics Tuebingen Variant Classification Criteria Version 2. Collection method: clinical testing. Allele origin: germline. Affected: yes. Observed: 4 variant alleles.
Comment: PEX19: BP4

PreventionGenetics, part of Exact Sciences
Classification: Likely benign for PEX19-related condition. Last evaluated: 2026-02-09. Review status: criteria provided, single submitter. Criteria: ACMG Guidelines, 2015. Collection method: clinical testing. Allele origin: germline.
Comment: This variant is classified as likely benign based on ACMG/AMP sequence variant interpretation guidelines (Richards et al. 2015 PMID: 25741868, with internal and published modifications).

Labcorp Genetics (formerly Invitae), Labcorp
Classification: Likely benign for Peroxisome biogenesis disorder 12A (Zellweger). Last evaluated: 2026-02-02. Review status: criteria provided, single submitter. Criteria: Invitae Variant Classification Sherloc (09022015). Collection method: clinical testing. Allele origin: germline.

Women's Health and Genetics/Laboratory Corporation of America, LabCorp
Classification: Benign. Last evaluated: 2025-07-16. Review status: criteria provided, single submitter. Criteria: LabCorp Variant Classification Summary - May 2015. Collection method: clinical testing. Allele origin: germline.
Comment: Variant summary: PEX19 c.181-5C>T alters a non-conserved nucleotide located at a position not widely known to affect splicing. Consensus agreement among computation tools predict no significant impact on normal splicing. However, these predictions have yet to be confirmed by functional studies. The variant allele was found at a frequency of 0.001 in 251204 control chromosomes in the gnomAD database, including 1 homozygotes. The observed variant frequency is approximately 2.55 fold of the estimated maximal expected allele frequency for a pathogenic variant in PEX19 causing Peroxisome Biogenesis Disorders, Zellweger Syndrome Spectrum phenotype (0.0004). c.181-5C>T has been observed in individual(s) affected with Oligogenic Familial Hypercholesterolemia, without strong evidence for causality (Ghaleb_2022). These report(s) do not provide unequivocal conclusions about association of the variant with Peroxisome Biogenesis Disorders, Zellweger Syndrome Spectrum. To our knowledge, no experimental evidence demonstrating an impact on protein function has been reported. The following publication has been ascertained in the context of this evaluation (PMID: 35323704). ClinVar contains an entry for this variant (Variation ID: 281660). Based on the evidence outlined above, the variant was classified as benign.

Mayo Clinic Laboratories, Mayo Clinic
Classification: Likely benign. Last evaluated: 2025-02-11. Review status: criteria provided, single submitter. Criteria: ACMG Guidelines, 2015. Collection method: clinical testing. Allele origin: germline. Observed: 3 variant alleles.
Comment: BP4, BP7

Blueprint Genetics
Classification: Likely benign. Last evaluated: 2024-10-25. Review status: criteria provided, single submitter. Criteria: ACMG Guidelines, 2015. Collection method: clinical testing. Allele origin: germline.

Eurofins Ntd Llc (ga)
Classification: Uncertain significance. Last evaluated: 2018-01-29. Review status: criteria provided, single submitter. Criteria: EGL Classification Definitions 2015. Collection method: clinical testing. Allele origin: germline. Observed: 6 variant alleles, 6 heterozygotes.

Illumina Laboratory Services, Illumina
Classification: Uncertain significance for Peroxisome biogenesis disorder 12A (Zellweger). Last evaluated: 2018-01-12. Review status: criteria provided, single submitter. Criteria: ICSL Variant Classification Criteria 13 December 2019. Collection method: clinical testing. Allele origin: germline.

Literature cited by the submitters: PubMed 35323704 (cited by Women's Health and Genetics/Laboratory Corporation of America, LabCorp).